The following is an entry in ClinVar:

ClinVar aggregate classification (germline): Conflicting classifications of pathogenicity. Review status: criteria provided, conflicting classifications (1 of 4 stars). 3 submissions from 3 submitters: Uncertain significance (2); Likely benign (1). Last evaluated 2025-12-21.

Conditions:
Long QT syndrome (LQTS). Identifiers: MedGen C0023976, MeSH D008133, MONDO:0002442. Disease mechanism: loss of function. Inheritance: Various modes of inheritance.
Cardiovascular phenotype. Identifiers: MedGen CN230736.

Allele frequency attached by ClinVar (database versions not stated): gnomAD exomes 0.00002 and 0.00004; TOPMed 0.00004; ExAC 0.00007; 1000 Genomes Project 0.00040; 1000 Genomes Project 30x 0.00047.
gnomAD v4.1: 40 of 1,613,650 alleles (0.0025%); highest among the groups gnomAD compares: East Asian, 0.078%; no homozygotes.

Submissions (3):

Labcorp Genetics (formerly Invitae), Labcorp
Classification: Uncertain significance for Long QT syndrome. Last evaluated: 2025-12-21. Review status: criteria provided, single submitter. Criteria: Invitae Variant Classification Sherloc (09022015). Collection method: clinical testing. Allele origin: germline.
Comment: This sequence change replaces aspartic acid, which is acidic and polar, with asparagine, which is neutral and polar, at codon 1913 of the CACNA1C protein (p.Asp1913Asn). The frequency data for this variant in the population databases is considered unreliable, as metrics indicate poor data quality at this position in the gnomAD database. This missense change has been observed in individual(s) with Brugada syndrome (PMID: 34999275). ClinVar contains an entry for this variant (Variation ID: 519491). Invitae Evidence Modeling of protein sequence and biophysical properties (such as structural, functional, and spatial information, amino acid conservation, physicochemical variation, residue mobility, and thermodynamic stability) indicates that this missense variant is not expected to disrupt CACNA1C protein function with a negative predictive value of 95%. In summary, the available evidence is currently insufficient to determine the role of this variant in disease. Therefore, it has been classified as a Variant of Uncertain Significance.

Women's Health and Genetics/Laboratory Corporation of America, LabCorp
Classification: Likely benign. Last evaluated: 2022-01-29. Review status: criteria provided, single submitter. Criteria: LabCorp Variant Classification Summary - May 2015. Collection method: clinical testing. Allele origin: germline.

Ambry Genetics
Classification: Uncertain significance for Cardiovascular phenotype. Last evaluated: 2017-08-04. Review status: criteria provided, single submitter. Criteria: Ambry Variant Classification Scheme 2023. Collection method: clinical testing. Allele origin: germline.
Comment: The p.D1913N variant (also known as c.5737G>A), located in coding exon 45 of the CACNA1C gene, results from a G to A substitution at nucleotide position 5737. The aspartic acid at codon 1913 is replaced by asparagine, an amino acid with highly similar properties. This amino acid position is well conserved in available vertebrate species. In addition, this alteration is predicted to be tolerated by in silico analysis. Since supporting evidence is limited at this time, the clinical significance of this alteration remains unclear.

Literature cited by the submitters: PubMed 34999275 (cited by Labcorp Genetics (formerly Invitae), Labcorp).

NM_000719.7(CACNA1C):c.5737G>A (p.Asp1913Asn)

Genes: CACNA1C (calcium voltage-gated channel subunit alpha1 C; plus strand), CACNA1C-AS1 (CACNA1C antisense RNA 1; minus strand). Cytogenetic location: 12p13.33.
Variant type: single nucleotide variant.
Coding change: c.5737G>A on transcript NM_000719.7 (MANE Select); coding-DNA position 5737, G replaced by A.
Protein change: p.Asp1913Asn; replaces aspartic acid 1913 with asparagine.
Molecular consequence: missense variant.
Genome position (GRCh38, 1-based): chr12:2,686,222, G>A. VCF-style: chr12-2686222-G-A. GRCh37 (hg19) VCF-style: chr12-2795388-G-A.
Other names: c.5881G>A, p.Asp1961Asn (NM_001129827.2); c.5860G>A, p.Asp1954Asn (NM_001129829.2); c.5842G>A, p.Asp1948Asn (NM_001129830.3, NM_001167624.3); c.5821G>A, p.Asp1941Asn (NM_001129831.2); c.5797G>A, p.Asp1933Asn (NM_001129832.2); c.5794G>A, p.Asp1932Asn (NM_001129833.2, NM_001129834.2, NM_001129835.2); c.5788G>A, p.Asp1930Asn (NM_001129836.2); c.5761G>A, p.Asp1921Asn (NM_001129837.2, NM_001129838.2); and 6 more; short protein forms D1913N, D1948N, D1961N, D1996N, D1919N, D1930N, D1932N, D1954N.
Identifiers: ClinVar variation 519491 (VCV000519491.15), dbSNP rs181502604, ClinGen allele CA6389960.
Genomic context (GRCh38, chr12:2,686,222, plus strand): 5'-GCAGGTCGAAGGGCCTCCTTCCACCTGGAATGTCTGAAGCGACAGAAGGACCGAGGGGGA[G>A]ACATCTCTCAGAAGACAGTCCTGCCCTTGCATCTGGTTCATCATCAGGTAGCTCACACTT-3'
Protein context (NP_000710.5, residues 1903-1923): CLKRQKDRGG[Asp1913Asn]ISQKTVLPLH